The following is an entry in ClinVar:

ClinVar aggregate classification (germline): Pathogenic/Likely pathogenic. Review status: criteria provided, multiple submitters, no conflicts (2 of 4 stars). 2 submissions from 2 submitters: Pathogenic (1); Likely pathogenic (1). Last evaluated 2024-12-02.

Conditions:
GNAT2-related disorder. Also called: GNAT2-related condition.

Submissions (2):

Labcorp Genetics (formerly Invitae), Labcorp
Classification: Pathogenic. Last evaluated: 2024-12-02. Review status: criteria provided, single submitter. Criteria: Invitae Variant Classification Sherloc (09022015). Collection method: clinical testing. Allele origin: germline.
Comment: This sequence change creates a premature translational stop signal (p.Glu276Lysfs*28) in the GNAT2 gene. While this is not anticipated to result in nonsense mediated decay, it is expected to disrupt the last 79 amino acid(s) of the GNAT2 protein. This variant is not present in population databases (gnomAD no frequency). This variant has not been reported in the literature in individuals affected with GNAT2-related conditions. ClinVar contains an entry for this variant (Variation ID: 1446938). This variant disrupts a region of the GNAT2 protein in which other variant(s) (p.His282Serfs*11) have been determined to be pathogenic (PMID: 12205108). This suggests that this is a clinically significant region of the protein, and that variants that disrupt it are likely to be disease-causing. For these reasons, this variant has been classified as Pathogenic.

Blueprint Genetics
Classification: Likely pathogenic for GNAT2-related disorders. Last evaluated: 2021-03-24. Review status: criteria provided, single submitter. Criteria: ACMG Guidelines, 2015. Collection method: clinical testing. Allele origin: germline. Affected: yes. Observed: 5 variant alleles.

Literature cited by the submitters: PubMed 12205108 (cited by Labcorp Genetics (formerly Invitae), Labcorp).

NM_001377295.2(GNAT2):c.826del (p.Glu276fs)

Gene: GNAT2 (G protein subunit alpha transducin 2; minus strand). Cytogenetic location: 1p13.3.
Variant type: Deletion.
Coding change: c.826del on transcript NM_001377295.2 (MANE Select); coding-DNA position 826, one base deleted (G; older notation c.826delG).
Protein change: p.Glu276fs; shifts the reading frame from glutamic acid 276.
Molecular consequence: frameshift variant.
Genome position (GRCh38, 1-based): chr1:109,603,999, C deleted on the plus strand (G on the coding strand, the reverse complement: GNAT2 is on the minus strand); the first of 2 consecutive C bases (chr1:109,603,999-109,604,000); deleting either gives the same sequence. VCF-style (leftmost placement, unchanged base first): chr1-109603998-TC-T. GRCh37 (hg19) VCF-style: chr1-110146620-TC-T.
Other names: c.826del, p.Glu276fs (NM_001379232.1, NM_005272.5); short protein forms E276fs.
Identifiers: ClinVar variation 1446938 (VCV001446938.7), dbSNP rs1462934469, ClinGen allele CA885381329.